The following is an entry in ClinVar:

ClinVar aggregate classification (germline): Uncertain significance (1 of 4 stars; one submission).

Allele frequency attached by ClinVar (database versions not stated): gnomAD exomes below 0.00001; ExAC 0.00001; gnomAD 0.00001; ESP Exome Variant Server 0.00008.
gnomAD v4.1: 5 of 1,614,082 alleles (0.00031%); highest among the groups gnomAD compares: Non-Finnish European, 0.00025%; no homozygotes.

Submission:

Labcorp Genetics (formerly Invitae), Labcorp
Classification: Uncertain significance. Last evaluated: 2021-05-03. Review status: criteria provided, single submitter. Criteria: Invitae Variant Classification Sherloc (09022015). Collection method: clinical testing. Allele origin: germline.
Comment: In summary, the available evidence is currently insufficient to determine the role of this variant in disease. Therefore, it has been classified as a Variant of Uncertain Significance. Algorithms developed to predict the effect of missense changes on protein structure and function (SIFT, PolyPhen-2, Align-GVGD) all suggest that this variant is likely to be tolerated, but these predictions have not been confirmed by published functional studies and their clinical significance is uncertain. This variant has not been reported in the literature in individuals with C8orf37-related conditions. This variant is present in population databases (rs374279423, ExAC 0.001%). This sequence change replaces serine with threonine at codon 40 of the C8orf37 protein (p.Ser40Thr). The serine residue is weakly conserved and there is a small physicochemical difference between serine and threonine.

NM_177965.4(CFAP418):c.119G>C (p.Ser40Thr)

Genes: CFAP418 (cilia and flagella associated protein 418; minus strand), CFAP418-AS1 (CFAP418 antisense RNA 1; plus strand), LOC130000784 (ATAC-STARR-seq lymphoblastoid active region 27655; plus strand). Cytogenetic location: 8q22.1.
Variant type: single nucleotide variant.
Coding change: c.119G>C on transcript NM_177965.4 (MANE Select); coding-DNA position 119, G replaced by C.
Protein change: p.Ser40Thr; replaces serine 40 with threonine.
Molecular consequence: missense variant.
Genome position (GRCh38, 1-based): chr8:95,269,071, C>G on the plus strand (G>C on the coding strand, the complement: CFAP418 is on the minus strand). VCF-style: chr8-95269071-C-G. GRCh37 (hg19) VCF-style: chr8-96281299-C-G.
Other names: c.119G>C, p.Ser40Thr (NM_001363260.1); short protein forms S40T.
Identifiers: ClinVar variation 1681149 (VCV001681149.8), dbSNP rs374279423, ClinGen allele CA4815272.
Genomic context (GRCh38, chr8:95,269,071, plus strand): 5'-GTCCACCCCTCCCGCCCGGTTAACCTGAGCGTCTCTTTCGCCTTGGCTTGGTTCCGGTCG[C>G]TACTGTGGGTGCCGCCGCCGCAGCCTTTGGGCTGCTCGACCATACCCCGTCTTAGAAGGT-3'
Protein context (NP_808880.1, residues 30-50): PKGCGGGTHS[Ser40Thr]DRNQAKAKET